The following is an entry in ClinVar:

ClinVar aggregate classification (germline): Likely benign (1 of 4 stars; one submission).

Conditions:
Leigh syndrome (NULS). Also called: Leigh's necrotizing encephalopathy; Leigh's disease; Leigh Syndrome (mtDNA deletion); Leigh Disease; Subacute necrotizing encephalopathy; Necrotizing encephalopathy infantile subacute of Leigh. Identifiers: Orphanet 506, MedGen C2931891, MONDO:0009723, OMIM 256000.

Submission:

Wong Mito Lab, Molecular and Human Genetics, Baylor College of Medicine
Classification: Likely benign for Leigh syndrome. Last evaluated: 2019-10-17. Review status: criteria provided, single submitter. Criteria: Modified ACMG Guidelines (Unpublished). Collection method: clinical testing. Allele origin: germline.
Comment: The NC_012920.1:m.8638A>G (YP_003024031.1:p.Ile38Val) variant in MTATP6 gene is interpretated to be a Likely Benign variant based on the modified ACMG guidelines (unpublished). This variant meets the following evidence codes: BS1, BP6

NC_012920.1(MT-ATP6):m.8638A>G

Gene: MT-ATP6 (mitochondrially encoded ATP synthase 6; plus strand).
Variant type: single nucleotide variant.
Genome position: chrM-8638-A-G.
Identifiers: ClinVar variation 692935 (VCV000692935.1), dbSNP rs1556423508, ClinGen allele CA414797102.